The following is an entry in ClinVar:

NM_002016.2(FLG):c.12090G>A (p.Thr4030=)

Genes: CCDST (cervical cancer associated DHX9 suppressive transcript; plus strand), FLG (filaggrin; minus strand). Cytogenetic location: 1q21.3.
Variant type: single nucleotide variant.
Coding change: c.12090G>A on transcript NM_002016.2 (MANE Select); coding-DNA position 12090, G replaced by A.
Protein change: p.Thr4030=; no amino-acid change (threonine 4030 retained).
Molecular consequence: synonymous variant.
Genome position (GRCh38, 1-based): chr1:152,302,796, C>T on the plus strand (G>A on the coding strand, the complement: FLG is on the minus strand). VCF-style: chr1-152302796-C-T. GRCh37 (hg19) VCF-style: chr1-152275272-C-T.
Identifiers: ClinVar variation 1211343 (VCV001211343.6), dbSNP rs117440780, ClinGen allele CA1102697.

ClinVar aggregate classification (germline): Likely benign. Review status: criteria provided, multiple submitters, no conflicts (2 of 4 stars). 3 submissions from 3 submitters: Likely benign (2). 1 of the submissions does not count toward it. Last evaluated 2018-11-12.

Conditions:
FLG-related disorder. Also called: FLG-related condition; FLG-related disorders.

Allele frequency attached by ClinVar (database versions not stated): ESP Exome Variant Server 0.00115; gnomAD exomes 0.00156 and 0.00329; gnomAD 0.00202 and 0.00241; ExAC 0.00319; 1000 Genomes Project 30x 0.00484; 1000 Genomes Project 0.00539.

Submissions (3):

GeneDx
Classification: Likely benign. Last evaluated: 2018-11-12. Review status: criteria provided, single submitter. Criteria: GeneDx Variant Classification Process June 2021. Collection method: clinical testing. Allele origin: germline. Affected: yes.

Breakthrough Genomics
Classification: Likely benign. Review status: criteria provided, single submitter. Criteria: ACMG Guidelines, 2015. Collection method: not provided. Allele origin: germline. Inheritance: Autosomal dominant inheritance. Affected: yes.

PreventionGenetics, part of Exact Sciences
Classification: Benign for FLG-related condition. Last evaluated: 2019-08-14. Review status: no assertion criteria provided. Collection method: clinical testing. Allele origin: germline. Not counted in ClinVar's aggregate classification.
Comment: This variant is classified as benign based on ACMG/AMP sequence variant interpretation guidelines (Richards et al. 2015 PMID: 25741868, with internal and published modifications).